The following is an entry in ClinVar:

ClinVar aggregate classification (germline): Uncertain significance. Review status: criteria provided, multiple submitters, no conflicts (2 of 4 stars). 2 submissions from 2 submitters: Uncertain significance (2). Last evaluated 2025-01-05.

Conditions:
Leber congenital amaurosis 12 (LCA12). Identifiers: Orphanet 65, MedGen C1857743, MONDO:0012525, OMIM 610612.

Allele frequency attached by ClinVar (database versions not stated): gnomAD 0.00001; gnomAD exomes 0.00001 and 0.00002; TOPMed 0.00002; ExAC 0.00004; ESP Exome Variant Server 0.00023.
gnomAD v4.1: 16 of 1,612,908 alleles (0.00099%); highest among the groups gnomAD compares: Admixed American, 0.005%; no homozygotes.

Submissions (2):

Labcorp Genetics (formerly Invitae), Labcorp
Classification: Uncertain significance for Leber congenital amaurosis 12. Last evaluated: 2025-01-05. Review status: criteria provided, single submitter. Criteria: Invitae Variant Classification Sherloc (09022015). Collection method: clinical testing. Allele origin: germline.
Comment: This sequence change replaces arginine, which is basic and polar, with tryptophan, which is neutral and slightly polar, at codon 8 of the RD3 protein (p.Arg8Trp). This variant is present in population databases (rs142307843, gnomAD 0.01%). This variant has not been reported in the literature in individuals affected with RD3-related conditions. ClinVar contains an entry for this variant (Variation ID: 1026526). An algorithm developed to predict the effect of missense changes on protein structure and function (PolyPhen-2) suggests that this variant is likely to be disruptive. In summary, the available evidence is currently insufficient to determine the role of this variant in disease. Therefore, it has been classified as a Variant of Uncertain Significance.

Blueprint Genetics
Classification: Uncertain significance. Last evaluated: 2024-11-04. Review status: criteria provided, single submitter. Criteria: ACMG Guidelines, 2015. Collection method: clinical testing. Allele origin: germline.

NM_001164688.2(RD3):c.22C>T (p.Arg8Trp)

Gene: RD3 (RD3 regulator of GUCY2D; minus strand). Cytogenetic location: 1q32.3.
Variant type: single nucleotide variant.
Coding change: c.22C>T on transcript NM_001164688.2 (MANE Select); coding-DNA position 22, C replaced by T.
Protein change: p.Arg8Trp; replaces arginine 8 with tryptophan.
Molecular consequence: missense variant.
Genome position (GRCh38, 1-based): chr1:211,481,394, G>A on the plus strand (C>T on the coding strand, the complement: RD3 is on the minus strand). VCF-style: chr1-211481394-G-A. GRCh37 (hg19) VCF-style: chr1-211654736-G-A.
Other names: c.22C>T, p.Arg8Trp (NM_183059.3); short protein forms R8W.
Identifiers: ClinVar variation 1026526 (VCV001026526.9), dbSNP rs142307843, ClinGen allele CA1381178.